The following is an entry in ClinVar:

NM_052947.4(ALPK2):c.4682C>G (p.Thr1561Arg)

Genes: ALPK2 (alpha kinase 2; minus strand), LOC126862764 (BRD4-independent group 4 enhancer GRCh37_chr18:56202574-56203773; plus strand). Cytogenetic location: 18q21.31.
Variant type: single nucleotide variant.
Coding change: c.4682C>G on transcript NM_052947.4 (MANE Select); coding-DNA position 4682, C replaced by G.
Protein change: p.Thr1561Arg; replaces threonine 1561 with arginine.
Molecular consequence: missense variant.
Genome position (GRCh38, 1-based): chr18:58,535,505, G>C on the plus strand (C>G on the coding strand, the complement: ALPK2 is on the minus strand). VCF-style: chr18-58535505-G-C. GRCh37 (hg19) VCF-style: chr18-56202737-G-C.
Other names: short protein forms T1561R.
Identifiers: ClinVar variation 1742400 (VCV001742400.2), dbSNP rs1291949404, ClinGen allele CA402560434.

ClinVar aggregate classification (germline): Uncertain significance (1 of 4 stars; one submission).

Submission:

Ambry Genetics
Classification: Uncertain significance. Last evaluated: 2021-10-01. Review status: criteria provided, single submitter. Criteria: Ambry Variant Classification Scheme 2023. Collection method: clinical testing. Allele origin: germline.
Comment: The p.T1561R variant (also known as c.4682C>G), located in coding exon 4 of the ALPK2 gene, results from a C to G substitution at nucleotide position 4682. The threonine at codon 1561 is replaced by arginine, an amino acid with similar properties. This amino acid position is conserved. In addition, this alteration is predicted to be tolerated by in silico analysis. Since supporting evidence is limited at this time, the clinical significance of this alteration remains unclear.